The following is an entry in ClinVar:

ClinVar aggregate classification (germline): Uncertain significance (1 of 4 stars; one submission).

Conditions:
Hereditary cancer-predisposing syndrome. Also called: Neoplastic Syndromes, Hereditary; Tumor predisposition; Hereditary neoplastic syndrome; Hereditary Cancer Syndrome. Identifiers: Orphanet 140162, MedGen C0027672, MeSH D009386, MONDO:0015356.

Submission:

Ambry Genetics
Classification: Uncertain significance for Hereditary cancer-predisposing syndrome. Last evaluated: 2026-07-20. Review status: criteria provided, single submitter. Criteria: Ambry Variant Classification Scheme 2023. Collection method: clinical testing. Allele origin: germline.
Comment: The p.L687F variant (also known as c.2059C>T), located in coding exon 15 of the APC gene, results from a C to T substitution at nucleotide position 2059. The leucine at codon 687 is replaced by phenylalanine, an amino acid with highly similar properties. This amino acid position is conserved. In addition, in silico predictors for this gene do not accurately predict pathogenicity. Based on the available evidence, the clinical significance of this variant remains unclear.

NM_000038.6(APC):c.2059C>T (p.Leu687Phe)

Gene: APC (APC regulator of Wnt signaling pathway; plus strand). Cytogenetic location: 5q22.2.
Variant type: single nucleotide variant.
Coding change: c.2059C>T on transcript NM_000038.6 (MANE Select); coding-DNA position 2059, C replaced by T.
Protein change: p.Leu687Phe; replaces leucine 687 with phenylalanine.
Molecular consequence: missense variant. On other transcripts: non-coding transcript variant (2).
Genome position (GRCh38, 1-based): chr5:112,837,653, C>T. VCF-style: chr5-112837653-C-T. GRCh37 (hg19) VCF-style: chr5-112173350-C-T.
Other names: c.1882C>T, p.Leu628Phe (NM_001407453.1, NM_001354901.2); c.1810C>T, p.Leu604Phe (NM_001407454.1, NM_001407455.1, NM_001407456.1 and 1 more transcripts); c.1756C>T, p.Leu586Phe (NM_001407458.1, NM_001407459.1, NM_001407460.1 and 1 more transcripts); c.1672C>T, p.Leu558Phe (NM_001407467.1, NM_001407469.1); c.1210C>T, p.Leu404Phe (NM_001407470.1, NM_001354906.2); c.907C>T, p.Leu303Phe (NM_001407471.1, NM_001407472.1); c.2059C>T, p.Leu687Phe (NM_001127510.3, NM_001354895.2, NM_001407450.1); c.2005C>T, p.Leu669Phe (NM_001127511.3); and 11 more; short protein forms L404F, L596F, L669F, L680F, L303F, L558F, L646F, L687F.
Identifiers: ClinVar variation 5025500 (VCV005025500.1).